The following is an entry in ClinVar:

NM_001378120.1(MBD5):c.675G>A (p.Ala225=)

Gene: MBD5 (methyl-CpG binding domain protein 5; plus strand). Cytogenetic location: 2q23.1.
Variant type: single nucleotide variant.
Coding change: c.675G>A on transcript NM_001378120.1 (MANE Select); coding-DNA position 675, G replaced by A.
Protein change: p.Ala225=; no amino-acid change (alanine 225 retained).
Molecular consequence: synonymous variant.
Genome position (GRCh38, 1-based): chr2:148,468,618, G>A. VCF-style: chr2-148468618-G-A. GRCh37 (hg19) VCF-style: chr2-149226187-G-A.
Other names: c.675G>A, p.Ala225= (NM_018328.5).
Identifiers: ClinVar variation 261023 (VCV000261023.18), dbSNP rs775582219, ClinGen allele CA1899912.

ClinVar aggregate classification (germline): Likely benign. Review status: criteria provided, multiple submitters, no conflicts (2 of 4 stars). 5 submissions from 5 submitters: Likely benign (5). Last evaluated 2026-02-02.

Conditions:
Inborn genetic diseases. Identifiers: MedGen C0950123, MeSH D030342.
Intellectual developmental disorder, autosomal dominant 1. Also called: Intellectual disability, autosomal dominant 1; MBD5 Haploinsufficiency. Identifiers: Orphanet 228402, MedGen C1969562, MONDO:0007974, OMIM 156200.

Allele frequency attached by ClinVar (database versions not stated): ExAC 0.00001; gnomAD 0.00002; gnomAD exomes 0.00002 and 0.00003; TOPMed 0.00002.
gnomAD v4.1: 47 of 1,613,748 alleles (0.0029%); highest among the groups gnomAD compares: East Asian, 0.0089%; no homozygotes.

Submissions (5):

Labcorp Genetics (formerly Invitae), Labcorp
Classification: Likely benign for Intellectual developmental disorder, autosomal dominant 1. Last evaluated: 2026-02-02. Review status: criteria provided, single submitter. Criteria: Invitae Variant Classification Sherloc (09022015). Collection method: clinical testing. Allele origin: germline.

Blueprint Genetics
Classification: Likely benign. Last evaluated: 2024-10-01. Review status: criteria provided, single submitter. Criteria: ACMG Guidelines, 2015. Collection method: clinical testing. Allele origin: germline.

Ambry Genetics
Classification: Likely benign for Inborn genetic diseases. Last evaluated: 2016-12-29. Review status: criteria provided, single submitter. Criteria: Ambry Variant Classification Scheme 2023. Collection method: clinical testing. Allele origin: germline.

GeneDx
Classification: Likely benign. Last evaluated: 2016-12-09. Review status: criteria provided, single submitter. Criteria: GeneDx Variant Classification (06012015). Collection method: clinical testing. Allele origin: germline. Affected: yes.
Comment: This variant is considered likely benign or benign based on one or more of the following criteria: it is a conservative change, it occurs at a poorly conserved position in the protein, it is predicted to be benign by multiple in silico algorithms, and/or has population frequency not consistent with disease.

PreventionGenetics, part of Exact Sciences
Classification: Likely benign. Review status: criteria provided, single submitter. Criteria: ACMG Guidelines, 2015. Collection method: clinical testing. Allele origin: germline.